The following is an entry in ClinVar:

NM_001701.4(BAAT):c.437G>A (p.Arg146His)

Gene: BAAT (bile acid-CoA:amino acid N-acyltransferase; minus strand). Cytogenetic location: 9q31.1.
Variant type: single nucleotide variant.
Coding change: c.437G>A on transcript NM_001701.4 (MANE Select); coding-DNA position 437, G replaced by A.
Protein change: p.Arg146His; replaces arginine 146 with histidine.
Molecular consequence: missense variant.
Genome position (GRCh38, 1-based): chr9:101,370,968, C>T on the plus strand (G>A on the coding strand, the complement: BAAT is on the minus strand). VCF-style: chr9-101370968-C-T. GRCh37 (hg19) VCF-style: chr9-104133250-C-T.
Other names: c.437G>A, p.Arg146His (NM_001127610.2, NM_001374715.1); short protein forms R146H.
Identifiers: ClinVar variation 3713724 (VCV003713724.2).

ClinVar aggregate classification (germline): Uncertain significance (1 of 4 stars; one submission).

gnomAD v4.1: 74 of 1,613,992 alleles (0.0046%); highest among the groups gnomAD compares: South Asian, 0.024%; 1 homozygote.

Submission:

Labcorp Genetics (formerly Invitae), Labcorp
Classification: Uncertain significance. Last evaluated: 2024-03-13. Review status: criteria provided, single submitter. Criteria: Invitae Variant Classification Sherloc (09022015). Collection method: clinical testing. Allele origin: germline.
Comment: This sequence change replaces arginine, which is basic and polar, with histidine, which is basic and polar, at codon 146 of the BAAT protein (p.Arg146His). This variant is present in population databases (rs772876970, gnomAD 0.02%). This variant has not been reported in the literature in individuals affected with BAAT-related conditions. Advanced modeling of protein sequence and biophysical properties (such as structural, functional, and spatial information, amino acid conservation, physicochemical variation, residue mobility, and thermodynamic stability) performed at Invitae indicates that this missense variant is not expected to disrupt BAAT protein function with a negative predictive value of 80%. In summary, the available evidence is currently insufficient to determine the role of this variant in disease. Therefore, it has been classified as a Variant of Uncertain Significance.